The following is an entry in ClinVar:

NM_004826.4(ECEL1):c.559T>C (p.Cys187Arg)

Gene: ECEL1 (endothelin converting enzyme like 1; minus strand). Cytogenetic location: 2q37.1.
Variant type: single nucleotide variant.
Coding change: c.559T>C on transcript NM_004826.4 (MANE Select); coding-DNA position 559, T replaced by C.
Protein change: p.Cys187Arg; replaces cysteine 187 with arginine.
Molecular consequence: missense variant.
Genome position (GRCh38, 1-based): chr2:232,486,095, A>G on the plus strand (T>C on the coding strand, the complement: ECEL1 is on the minus strand). VCF-style: chr2-232486095-A-G. GRCh37 (hg19) VCF-style: chr2-233350805-A-G.
Other names: c.559T>C, p.Cys187Arg (NM_001290787.2); short protein forms C187R.
Identifiers: ClinVar variation 1676534 (VCV001676534.3), dbSNP rs1690717032, ClinGen allele CA351003168.
Genomic context (GRCh38, chr2:232,486,095, plus strand): 5'-CCTCGATGACCTCTAGCATGGGTCGCGGGCCCAGTCGCTCGATCTCGCGCATGTCGAGGC[A>G]CGAGCGGAAGAAGGCGCGCACCTTGCGCTGGGCCGCGCCGCCAGGCCCACCCCCGGGCCG-3'
Protein context (NP_004817.2, residues 177-197): QRKVRAFFRS[Cys187Arg]LDMREIERLG

ClinVar aggregate classification (germline): Uncertain significance (1 of 4 stars; one submission).

Submission:

Greenwood Genetic Center Diagnostic Laboratories, Greenwood Genetic Center
Classification: Uncertain significance. Last evaluated: 2022-01-20. Review status: criteria provided, single submitter. Criteria: ACMG Guidelines, 2015. Collection method: clinical testing. Allele origin: germline. Affected: yes.
Comment: PM2